The following is an entry in ClinVar:

NM_001385012.1(NBEA):c.8586T>C (p.Tyr2862=)

Gene: NBEA (neurobeachin; plus strand). Cytogenetic location: 13q13.3.
Variant type: single nucleotide variant.
Coding change: c.8586T>C on transcript NM_001385012.1 (MANE Select); coding-DNA position 8586, T replaced by C.
Protein change: p.Tyr2862=; no amino-acid change (tyrosine 2862 retained).
Molecular consequence: synonymous variant.
Genome position (GRCh38, 1-based): chr13:35,667,495, T>C. VCF-style: chr13-35667495-T-C. GRCh37 (hg19) VCF-style: chr13-36241632-T-C.
Other names: p.Tyr2841=; c.1902T>C, p.Tyr634= (NM_001204197.3); c.8577T>C, p.Tyr2859= (NM_001379245.1); c.8523T>C, p.Tyr2841= (NM_015678.5).
Identifiers: ClinVar variation 3050199 (VCV003050199.4), dbSNP rs200136838, ClinGen allele CA6948004.

ClinVar aggregate classification (germline): Likely benign. Review status: criteria provided, multiple submitters, no conflicts (2 of 4 stars). 3 submissions from 3 submitters: Likely benign (2). 1 of the submissions does not count toward it. Last evaluated 2026-07-01.

Conditions:
NBEA-related disorder. Also called: NBEA-related condition.

Allele frequency attached by ClinVar (database versions not stated): gnomAD exomes 0.00017; ExAC 0.00064; gnomAD 0.00184; TOPMed 0.00211; ESP Exome Variant Server 0.00241; 1000 Genomes Project 0.00339; 1000 Genomes Project 30x 0.00390.
gnomAD v4.1: 532 of 1,614,036 alleles (0.033%); highest among the groups gnomAD compares: African/African-American, 0.64%; no homozygotes.

Submissions (3):

CeGaT Center for Human Genetics Tuebingen
Classification: Likely benign. Last evaluated: 2026-07-01. Review status: criteria provided, single submitter. Criteria: CeGaT Center For Human Genetics Tuebingen Variant Classification Criteria Version 2. Collection method: clinical testing. Allele origin: germline. Affected: yes. Observed: 1 variant allele.
Comment: NBEA: BP4, BP7, BS1

Mayo Clinic Laboratories, Mayo Clinic
Classification: Likely benign. Last evaluated: 2025-05-28. Review status: criteria provided, single submitter. Criteria: ACMG Guidelines, 2015. Collection method: clinical testing. Allele origin: germline. Observed: 1 variant allele.
Comment: BS1, BP4, BP7

PreventionGenetics, part of Exact Sciences
Classification: Benign for NBEA-related condition. Last evaluated: 2024-02-12. Review status: no assertion criteria provided. Collection method: clinical testing. Allele origin: germline. Not counted in ClinVar's aggregate classification.
Comment: This variant is classified as benign based on ACMG/AMP sequence variant interpretation guidelines (Richards et al. 2015 PMID: 25741868, with internal and published modifications).